The following is an entry in ClinVar:

ClinVar aggregate classification (germline): Benign/Likely benign. Review status: criteria provided, multiple submitters, no conflicts (2 of 4 stars). 4 submissions from 4 submitters: Benign (1); Likely benign (3). Last evaluated 2025-08-12.

Conditions:
Tuberous sclerosis 2 (TSC2). Identifiers: Orphanet 805, MedGen C1860707, MONDO:0013199, OMIM 613254.
Hereditary cancer-predisposing syndrome. Also called: Neoplastic Syndromes, Hereditary; Tumor predisposition; Hereditary neoplastic syndrome; Hereditary Cancer Syndrome. Identifiers: Orphanet 140162, MedGen C0027672, MeSH D009386, MONDO:0015356.
Tuberous sclerosis syndrome (TSC). Also called: Tuberous Sclerosis Complex; Tuberous sclerosis. Identifiers: Orphanet 805, MedGen C0041341, MONDO:0001734.

Submissions (4):

Ambry Genetics
Classification: Likely benign for Hereditary cancer-predisposing syndrome. Last evaluated: 2025-08-12. Review status: criteria provided, single submitter. Criteria: Ambry Variant Classification Scheme 2023. Collection method: clinical testing. Allele origin: germline.

Color Diagnostics, LLC DBA Color Health
Classification: Likely benign for Tuberous sclerosis syndrome. Last evaluated: 2025-06-29. Review status: criteria provided, single submitter. Criteria: ACMG Guidelines, 2015. Collection method: clinical testing. Allele origin: germline.

Myriad Genetics, Inc.
Classification: Benign for Tuberous sclerosis 2. Last evaluated: 2025-05-27. Review status: criteria provided, single submitter. Criteria: Myriad Autosomal Dominant, Autosomal Recessive and X-Linked Classification Criteria (2023). Collection method: clinical testing. Allele origin: unknown.
Comment: This variant is considered benign. This variant is a silent/synonymous amino acid change and it is not expected to impact splicing.

Labcorp Genetics (formerly Invitae), Labcorp
Classification: Likely benign for Tuberous sclerosis 2. Last evaluated: 2024-12-28. Review status: criteria provided, single submitter. Criteria: Invitae Variant Classification Sherloc (09022015). Collection method: clinical testing. Allele origin: germline.

NM_000548.5(TSC2):c.3069G>T (p.Thr1023=)

Gene: TSC2 (TSC complex subunit 2; plus strand). Cytogenetic location: 16p13.3.
Variant type: single nucleotide variant.
Coding change: c.3069G>T on transcript NM_000548.5 (MANE Select); coding-DNA position 3069, G replaced by T.
Protein change: p.Thr1023=; no amino-acid change (threonine 1023 retained).
Molecular consequence: synonymous variant. On other transcripts: non-coding transcript variant (5).
Genome position (GRCh38, 1-based): chr16:2,079,134, G>T. VCF-style: chr16-2079134-G-T. GRCh37 (hg19) VCF-style: chr16-2129135-G-T.
Other names: c.2937G>T, p.Thr979= (NM_001077183.3, NM_001370404.1, NM_001406665.1); c.3069G>T, p.Thr1023= (NM_001114382.3); c.2829G>T, p.Thr943= (NM_001318827.2); c.2793G>T, p.Thr931= (NM_001318829.2); c.2337G>T, p.Thr779= (NM_001318831.2, NM_001406687.1, NM_001406688.1); c.2970G>T, p.Thr990= (NM_001318832.2); c.2940G>T, p.Thr980= (NM_001363528.2, NM_001370405.1, NM_021055.3); c.3066G>T, p.Thr1022= (NM_001406663.1, NM_001406664.1); and 18 more.
Identifiers: ClinVar variation 2894079 (VCV002894079.6), dbSNP rs373950550, ClinGen allele CA493042747.
Genomic context (GRCh38, chr16:2,079,134, plus strand): 5'-AGATGAGAACTCCGTGGCCCAGGCTGACGATAGCCTGAAAAACCTCCACCTGGAGCTCAC[G>T]GAAACCTGTCTGGACATGATGGCTCGATACGTCTTCTCCAACTTCACGGCTGTCCCGAAG-3'
Protein context (NP_000539.2, residues 1013-1033): DSLKNLHLEL[Thr1023=]ETCLDMMARY